The following is an entry in ClinVar:

ClinVar aggregate classification (germline): Uncertain significance (1 of 4 stars; one submission).

Allele frequency attached by ClinVar (database versions not stated): gnomAD 0.00001; TOPMed below 0.00001; ExAC 0.00001.
gnomAD v4.1: 14 of 1,614,022 alleles (0.00087%); highest among the groups gnomAD compares: Non-Finnish European, 0.0011%; no homozygotes.

Submission:

Labcorp Genetics (formerly Invitae), Labcorp
Classification: Uncertain significance. Last evaluated: 2025-04-29. Review status: criteria provided, single submitter. Criteria: Invitae Variant Classification Sherloc (09022015). Collection method: clinical testing. Allele origin: germline.
Comment: This sequence change replaces arginine, which is basic and polar, with tryptophan, which is neutral and slightly polar, at codon 98 of the PPP2R5D protein (p.Arg98Trp). This variant is present in population databases (rs779909900, gnomAD 0.005%). This variant has not been reported in the literature in individuals affected with PPP2R5D-related conditions. ClinVar contains an entry for this variant (Variation ID: 2963543). An algorithm developed to predict the effect of missense changes on protein structure and function (PolyPhen-2) suggests that this variant is likely to be disruptive. In summary, the available evidence is currently insufficient to determine the role of this variant in disease. Therefore, it has been classified as a Variant of Uncertain Significance.

NM_006245.4(PPP2R5D):c.292C>T (p.Arg98Trp)

Gene: PPP2R5D (protein phosphatase 2 regulatory subunit B'delta; plus strand). Cytogenetic location: 6p21.1.
Variant type: single nucleotide variant.
Coding change: c.292C>T on transcript NM_006245.4 (MANE Select); coding-DNA position 292, C replaced by T.
Protein change: p.Arg98Trp; replaces arginine 98 with tryptophan.
Molecular consequence: missense variant. On other transcripts: 5 prime UTR variant (1), intron variant (2).
Genome position (GRCh38, 1-based): chr6:43,006,649, C>T. VCF-style: chr6-43006649-C-T. GRCh37 (hg19) VCF-style: chr6-42974387-C-T.
Other names: c.-162C>T (NM_001270476.2); c.249+43C>T (NM_180976.3); c.28-285C>T (NM_180977.3); short protein forms R98W.
Identifiers: ClinVar variation 2963543 (VCV002963543.3), dbSNP rs779909900, ClinGen allele CA3811786.
Genomic context (GRCh38, chr6:43,006,649, plus strand): 5'-CCCCAGATTGTCAAGAAGGAGCGACGGCAAAGCTCCTCCCGCTTCAACCTCAGCAAGAAT[C>T]GGGAGCTGCAGAAGCTTCCTGCCCTGAAAGGTACTTGGCAATTGGTCACAGGGGCTGTTT-3'
Protein context (NP_006236.1, residues 88-108): SSSRFNLSKN[Arg98Trp]ELQKLPALKD